The following is an entry in ClinVar:

ClinVar aggregate classification (germline): Uncertain significance (1 of 4 stars; one submission).

gnomAD v4.1: 9 of 1,614,044 alleles (0.00056%); highest among the groups gnomAD compares: Middle Eastern, 0.016%; no homozygotes.

Submission:

GeneDx
Classification: Uncertain significance. Last evaluated: 2024-07-30. Review status: criteria provided, single submitter. Criteria: GeneDx Variant Classification Process June 2021. Collection method: clinical testing. Allele origin: germline. Affected: yes.
Comment: Not observed at significant frequency in large population cohorts (gnomAD); In silico analysis supports that this missense variant has a deleterious effect on protein structure/function; Has not been previously published as pathogenic or benign to our knowledge

NM_003118.4(SPARC):c.502C>T (p.Arg168Trp)

Gene: SPARC (secreted protein acidic and cysteine rich; minus strand). Cytogenetic location: 5q33.1.
Variant type: single nucleotide variant.
Coding change: c.502C>T on transcript NM_003118.4 (MANE Select); coding-DNA position 502, C replaced by T.
Protein change: p.Arg168Trp; replaces arginine 168 with tryptophan.
Molecular consequence: missense variant.
Genome position (GRCh38, 1-based): chr5:151,667,550, G>A on the plus strand (C>T on the coding strand, the complement: SPARC is on the minus strand). VCF-style: chr5-151667550-G-A. GRCh37 (hg19) VCF-style: chr5-151047111-G-A.
Other names: c.499C>T, p.Arg167Trp (NM_001309443.2); c.502C>T, p.Arg168Trp (NM_001309444.2); short protein forms R167W, R168W.
Identifiers: ClinVar variation 3602206 (VCV003602206.1).